The following is an entry in ClinVar:

NM_001458.5(FLNC):c.802G>A (p.Val268Ile)

Gene: FLNC (filamin C; plus strand). Cytogenetic location: 7q32.1.
Variant type: single nucleotide variant.
Coding change: c.802G>A on transcript NM_001458.5 (MANE Select); coding-DNA position 802, G replaced by A.
Protein change: p.Val268Ile; replaces valine 268 with isoleucine.
Molecular consequence: missense variant.
Genome position (GRCh38, 1-based): chr7:128,837,500, G>A. VCF-style: chr7-128837500-G-A. GRCh37 (hg19) VCF-style: chr7-128477554-G-A.
Other names: c.802G>A, p.Val268Ile (NM_001127487.2); short protein forms V268I.
Identifiers: ClinVar variation 1053026 (VCV001053026.9), dbSNP rs1210929657, ClinGen allele CA369222523.

ClinVar aggregate classification (germline): Uncertain significance. Review status: criteria provided, multiple submitters, no conflicts (2 of 4 stars). 2 submissions from 2 submitters: Uncertain significance (2). Last evaluated 2025-06-22.

Conditions:
Myofibrillar myopathy 5. Also called: FILAMINOPATHY, AUTOSOMAL DOMINANT; Filaminopathy (type). Identifiers: Orphanet 171445, MedGen C1836050, MONDO:0012289, OMIM 609524.
Distal myopathy with posterior leg and anterior hand involvement. Also called: WILLIAMS DISTAL MYOPATHY. Identifiers: Orphanet 63273, MedGen C3279722, MONDO:0013550, OMIM 614065.
Hypertrophic cardiomyopathy 26. Also called: Cardiomyopathy, familial hypertrophic, 26. Identifiers: Orphanet 75249, MedGen C4310749, MONDO:0014883, OMIM 617047.
Cardiovascular phenotype. Identifiers: MedGen CN230736.

Allele frequency attached by ClinVar (database versions not stated): TOPMed below 0.00001; gnomAD exomes 0.00001.
gnomAD v4.1: 12 of 1,614,206 alleles (0.00074%); highest among the groups gnomAD compares: South Asian, 0.013%; no homozygotes.

Submissions (2):

Labcorp Genetics (formerly Invitae), Labcorp
Classification: Uncertain significance for Distal myopathy with posterior leg and anterior hand involvement; Myofibrillar myopathy 5; Hypertrophic cardiomyopathy 26. Last evaluated: 2025-06-22. Review status: criteria provided, single submitter. Criteria: Invitae Variant Classification Sherloc (09022015). Collection method: clinical testing. Allele origin: germline.
Comment: This sequence change replaces valine, which is neutral and non-polar, with isoleucine, which is neutral and non-polar, at codon 268 of the FLNC protein (p.Val268Ile). This variant is present in population databases (no rsID available, gnomAD 0.006%). This variant has not been reported in the literature in individuals affected with FLNC-related conditions. ClinVar contains an entry for this variant (Variation ID: 1053026). An algorithm developed to predict the effect of missense changes on protein structure and function outputs the following: PolyPhen-2: "Benign". The isoleucine amino acid residue is found in multiple mammalian species, which suggests that this missense change does not adversely affect protein function. In summary, the available evidence is currently insufficient to determine the role of this variant in disease. Therefore, it has been classified as a Variant of Uncertain Significance.

Ambry Genetics
Classification: Uncertain significance for Cardiovascular phenotype. Last evaluated: 2020-04-13. Review status: criteria provided, single submitter. Criteria: Ambry Variant Classification Scheme 2023. Collection method: clinical testing. Allele origin: germline.
Comment: The p.V268I variant (also known as c.802G>A), located in coding exon 4 of the FLNC gene, results from a G to A substitution at nucleotide position 802. The valine at codon 268 is replaced by isoleucine, an amino acid with highly similar properties. This amino acid position is not well conserved in available vertebrate species, and isoleucine is the reference amino acid in other vertebrate species. In addition, this alteration is predicted to be tolerated by in silico analysis. Since supporting evidence is limited at this time, the clinical significance of this alteration remains unclear.